The following is an entry in ClinVar:

NM_003809.3(TNFSF12):c.295C>G (p.Arg99Gly)

Genes: TNFSF12 (TNF superfamily member 12; plus strand), TNFSF12-TNFSF13 (TNFSF12-TNFSF13 readthrough; plus strand). Cytogenetic location: 17p13.1.
Variant type: single nucleotide variant.
Coding change: c.295C>G on transcript NM_003809.3 (MANE Select); coding-DNA position 295, C replaced by G.
Protein change: p.Arg99Gly; replaces arginine 99 with glycine.
Molecular consequence: missense variant. On other transcripts: non-coding transcript variant (1).
Genome position (GRCh38, 1-based): chr17:7,550,810, C>G. VCF-style: chr17-7550810-C-G. GRCh37 (hg19) VCF-style: chr17-7454127-C-G.
Other names: c.295C>G, p.Arg99Gly (NM_172089.4); short protein forms R99G.
Identifiers: ClinVar variation 2702294 (VCV002702294.3), dbSNP rs748479475, ClinGen allele CA397857051.
Genomic context (GRCh38, chr17:7,550,810, plus strand): 5'-GACCCCCACTAGGGCCCGCTTTGCTCATCTGTCTTTCCTTGATCCTCAGCACCTAAAGGC[C>G]GGAAAACACGGGCTCGAAGAGCGATCGCAGCCCATTATGAAGGTGGGTGATGGGTGAGCC-3'
Protein context (NP_003800.1, residues 89-109): VRPRRSAPKG[Arg99Gly]KTRARRAIAA

ClinVar aggregate classification (germline): Uncertain significance (1 of 4 stars; one submission).

Conditions:
Common variable immunodeficiency (CVID). Also called: Common variable hypogamma-globulinemia; Common variable agammaglobulinemia. Identifiers: Orphanet 1572, MedGen C0009447, MONDO:0015517.

Submission:

Labcorp Genetics (formerly Invitae), Labcorp
Classification: Uncertain significance for Common variable immunodeficiency. Last evaluated: 2024-02-20. Review status: criteria provided, single submitter. Criteria: Invitae Variant Classification Sherloc (09022015). Collection method: clinical testing. Allele origin: germline.
Comment: This sequence change replaces arginine, which is basic and polar, with glycine, which is neutral and non-polar, at codon 99 of the TNFSF12 protein (p.Arg99Gly). This variant is not present in population databases (gnomAD no frequency). This variant has not been reported in the literature in individuals affected with TNFSF12-related conditions. An algorithm developed to predict the effect of missense changes on protein structure and function (PolyPhen-2) suggests that this variant is likely to be disruptive. In summary, the available evidence is currently insufficient to determine the role of this variant in disease. Therefore, it has been classified as a Variant of Uncertain Significance.